The following is an entry in ClinVar:

NM_015512.5(DNAH1):c.5740G>A (p.Glu1914Lys)

Gene: DNAH1 (dynein axonemal heavy chain 1; plus strand). Cytogenetic location: 3p21.1.
Variant type: single nucleotide variant.
Coding change: c.5740G>A on transcript NM_015512.5 (MANE Select); coding-DNA position 5740, G replaced by A.
Protein change: p.Glu1914Lys; replaces glutamic acid 1914 with lysine.
Molecular consequence: missense variant.
Genome position (GRCh38, 1-based): chr3:52,366,862, G>A. VCF-style: chr3-52366862-G-A. GRCh37 (hg19) VCF-style: chr3-52400878-G-A.
Other names: p.Glu1914Lys; short protein forms E1914K.
Identifiers: ClinVar variation 567136 (VCV000567136.20), dbSNP rs199740667, ClinGen allele CA2434298.
Genomic context (GRCh38, chr3:52,366,862, plus strand): 5'-GAGGCTGTCAACTACTACGTGCTCAACCCCAAGTCCATCACGATGGGCCAGCTGTACGGG[G>A]AGTTTGACCTCCTCACCCATGAGTGGTGAGTGACCCCCCAGCCTCACCGGTGACCCCCTG-3'
Protein context (NP_056327.4, residues 1904-1924): KSITMGQLYG[Glu1914Lys]FDLLTHEWTD

ClinVar aggregate classification (germline): Uncertain significance. Review status: criteria provided, multiple submitters, no conflicts (2 of 4 stars). 9 submissions from 9 submitters: Uncertain significance (9). Last evaluated 2026-03-28.

Conditions:
Spermatogenic failure 18. Identifiers: MedGen C4539783, MONDO:0054615, OMIM 617576.
Ciliary dyskinesia, primary, 37 (CILD37). Also called: CILIARY DYSKINESIA, PRIMARY, 37, WITH OR WITHOUT SITUS INVERSUS. Identifiers: MedGen C4539798, MONDO:0033204, OMIM 617577.
Primary ciliary dyskinesia. Also called: Ciliary dyskinesia. Identifiers: Orphanet 244, MedGen C0008780, MONDO:0016575, HP:0012265.

Allele frequency attached by ClinVar (database versions not stated): gnomAD exomes 0.00127 and 0.00073; gnomAD 0.00056 and 0.00055; TOPMed 0.00066; ESP Exome Variant Server 0.00119; ExAC 0.00069.
gnomAD v4.1: 1,911 of 1,613,552 alleles (0.12%); highest among the groups gnomAD compares: Non-Finnish European, 0.15%; no homozygotes.

Submissions (9):

GeneDx
Classification: Uncertain significance. Last evaluated: 2026-03-28. Review status: criteria provided, single submitter. Criteria: GeneDx Variant Classification Process June 2021. Collection method: clinical testing. Allele origin: germline.
Comment: In silico analysis supports that this missense variant has a deleterious effect on protein structure/function; Has not been previously published as pathogenic or benign to our knowledge

Mayo Clinic Laboratories, Mayo Clinic
Classification: Uncertain significance. Last evaluated: 2025-08-21. Review status: criteria provided, single submitter. Criteria: ACMG Guidelines, 2015. Collection method: clinical testing. Allele origin: germline. Observed: 1 variant allele.

ARUP Laboratories, Molecular Genetics and Genomics, ARUP Laboratories
Classification: Uncertain significance. Last evaluated: 2025-06-12. Review status: criteria provided, single submitter. Criteria: ARUP Molecular Germline Variant Investigation Process 2024. Collection method: clinical testing. Allele origin: germline.
Comment: The DNAH1 c.5740G>A; p.Glu1914Lys variant (rs199740667), to our knowledge, is not reported in the medical literature but is reported in ClinVar (Variation ID: 567136). This variant is found in the non-Finnish European population with an allele frequency of 0.14% (183/128,160 alleles) in the Genome Aggregation Database (v2.1.1). The glutamate at codon 1914 is highly conserved, but computational analyses are uncertain whether this variant is neutral or deleterious (REVEL: 0.635). Due to limited information, the clinical significance of this variant is uncertain at this time.

CeGaT Center for Human Genetics Tuebingen
Classification: Uncertain significance. Last evaluated: 2025-03-01. Review status: criteria provided, single submitter. Criteria: CeGaT Center For Human Genetics Tuebingen Variant Classification Criteria Version 2. Collection method: clinical testing. Allele origin: germline. Affected: yes. Observed: 1 variant allele.
Comment: DNAH1: PM2:Supporting, PP3

Molecular Genetics McLendon Clinical Laboratories, University of North Carolina at Chapel Hill
Classification: Uncertain significance for Primary ciliary dyskinesia. Last evaluated: 2024-12-11. Review status: criteria provided, single submitter. Criteria: ACMG Guidelines, 2015. Collection method: clinical testing. Allele origin: germline.

Blueprint Genetics
Classification: Uncertain significance. Last evaluated: 2024-11-15. Review status: criteria provided, single submitter. Criteria: ACMG Guidelines, 2015. Collection method: clinical testing. Allele origin: germline.

Labcorp Genetics (formerly Invitae), Labcorp
Classification: Uncertain significance for Ciliary dyskinesia, primary, 37; Spermatogenic failure 18. Last evaluated: 2024-01-11. Review status: criteria provided, single submitter. Criteria: Invitae Variant Classification Sherloc (09022015). Collection method: clinical testing. Allele origin: germline.
Comment: This sequence change replaces glutamic acid, which is acidic and polar, with lysine, which is basic and polar, at codon 1914 of the DNAH1 protein (p.Glu1914Lys). This variant is present in population databases (rs199740667, gnomAD 0.1%), and has an allele count higher than expected for a pathogenic variant. This variant has not been reported in the literature in individuals affected with DNAH1-related conditions. ClinVar contains an entry for this variant (Variation ID: 567136). Advanced modeling of protein sequence and biophysical properties (such as structural, functional, and spatial information, amino acid conservation, physicochemical variation, residue mobility, and thermodynamic stability) performed at Invitae indicates that this missense variant is not expected to disrupt DNAH1 protein function with a negative predictive value of 80%. In summary, the available evidence is currently insufficient to determine the role of this variant in disease. Therefore, it has been classified as a Variant of Uncertain Significance.

Johns Hopkins Genomics, Johns Hopkins University
Classification: Uncertain significance for Ciliary dyskinesia, primary, 37. Last evaluated: 2023-04-07. Review status: criteria provided, single submitter. Criteria: ACMG Guidelines, 2015. Collection method: clinical testing. Allele origin: germline.
Comment: This DNAH1 missense variant (rs199740667) is rare (<0.1%) in a large population dataset (gnomAD v2.1.1: 196/280214 total alleles; 0.07%; no homozygotes). It has been reported in ClinVar (Variation ID 567136), but not in the literature, to our knowledge. Two bioinformatic tools queried predict that this substitution would be damaging, and the glutamic acid residue at this position is evolutionarily conserved across many of the species assessed. The contribution of DNAH1 to primary ciliary dyskinesia has not been confirmed. We consider the clinical significance of c.5740G>A; p.Glu1914Lys in DNAH1 to be uncertain at this time.

UNC Molecular Genetics  Laboratory, University of North Carolina at Chapel Hill
Classification: Uncertain significance for Primary ciliary dyskinesia. Last evaluated: 2020-07-02. Review status: criteria provided, single submitter. Criteria: ACMG Guidelines, 2015. Collection method: clinical testing. Allele origin: germline. Observed: 1 heterozygote.